The following is an entry in ClinVar:

NM_016239.4(MYO15A):c.7833G>A (p.Glu2611=)

Gene: MYO15A (myosin XVA; plus strand). Cytogenetic location: 17p11.2.
Variant type: single nucleotide variant.
Coding change: c.7833G>A on transcript NM_016239.4 (MANE Select); coding-DNA position 7833, G replaced by A.
Protein change: p.Glu2611=; no amino-acid change (glutamic acid 2611 retained).
Molecular consequence: synonymous variant.
Genome position (GRCh38, 1-based): chr17:18,151,891, G>A. VCF-style: chr17-18151891-G-A. GRCh37 (hg19) VCF-style: chr17-18055205-G-A.
Identifiers: ClinVar variation 179364 (VCV000179364.11), dbSNP rs727504816, ClinGen allele CA184270.

ClinVar aggregate classification (germline): Likely benign. Review status: criteria provided, multiple submitters, no conflicts (2 of 4 stars). 2 submissions from 2 submitters: Likely benign (2). Last evaluated 2024-01-29.

Allele frequency attached by ClinVar (database versions not stated): gnomAD exomes 0.00001.
gnomAD v4.1: 8 of 1,577,746 alleles (0.00051%); highest among the groups gnomAD compares: Non-Finnish European, 0.00069%; no homozygotes.

Submissions (2):

Labcorp Genetics (formerly Invitae), Labcorp
Classification: Likely benign. Last evaluated: 2024-01-29. Review status: criteria provided, single submitter. Criteria: Invitae Variant Classification Sherloc (09022015). Collection method: clinical testing. Allele origin: germline.

Laboratory for Molecular Medicine, Mass General Brigham Personalized Medicine
Classification: Likely benign. Last evaluated: 2013-11-05. Review status: criteria provided, single submitter. Criteria: LMM Criteria. Collection method: clinical testing. Allele origin: germline. Observed: 1 variant allele.
Comment: Glu2611Glu in Exon 41 of MYO15A: This variant is not expected to have clinical s ignificance because it does not alter an amino acid residue and it is not locate d within the splice site consensus sequence.